The following is an entry in ClinVar:

NM_001374353.1(GLI2):c.2905C>T (p.Arg969Cys)

Gene: GLI2 (GLI family zinc finger 2; plus strand). Cytogenetic location: 2q14.2.
Variant type: single nucleotide variant.
Coding change: c.2905C>T on transcript NM_001374353.1 (MANE Select); coding-DNA position 2905, C replaced by T.
Protein change: p.Arg969Cys; replaces arginine 969 with cysteine.
Molecular consequence: missense variant.
Genome position (GRCh38, 1-based): chr2:120,988,870, C>T. VCF-style: chr2-120988870-C-T. GRCh37 (hg19) VCF-style: chr2-121746446-C-T.
Other names: c.2956C>T, p.Arg986Cys (NM_001371271.1, NM_005270.5); c.2530C>T, p.Arg844Cys (NM_001374354.1); short protein forms R986C, R844C, R969C.
Identifiers: ClinVar variation 2934354 (VCV002934354.3), dbSNP rs911667474, ClinGen allele CA54381998.
Genomic context (GRCh38, chr2:120,988,870, plus strand): 5'-GCCAGGCGGGCCAGCGACCCTGTGCGGCGGCCCGATGCCCTGTCCCTGCCGCGGGTGCAG[C>T]GCTTCCACAGCACCCACAACGTGAACCCCGGCCCGCTGCCGCCCTGTGCCGACAGGCGAG-3'
Protein context (NP_001361282.1, residues 959-979): PDALSLPRVQ[Arg969Cys]FHSTHNVNPG

ClinVar aggregate classification (germline): Uncertain significance (1 of 4 stars; one submission).

Conditions:
Holoprosencephaly 9 (HPE9). Also called: PITUITARY ANOMALIES WITH HOLOPROSENCEPHALY-LIKE FEATURES; HOLOPROSENCEPHALY WITH MICROPHTHALMIA AND FIRST BRANCHIAL ARCH ANOMALIES. Identifiers: Orphanet 2162, MedGen C1835819, MONDO:0012563, OMIM 610829.
Postaxial polydactyly-anterior pituitary anomalies-facial dysmorphism syndrome. Also called: Culler-Jones syndrome. Identifiers: Orphanet 420584, MedGen C4014479, MONDO:0014369, OMIM 615849.

Allele frequency attached by ClinVar (database versions not stated): gnomAD exomes below 0.00001; TOPMed below 0.00001.
gnomAD v4.1: 6 of 1,499,560 alleles (0.0004%); highest among the groups gnomAD compares: South Asian, 0.0024%; no homozygotes.

Submission:

Labcorp Genetics (formerly Invitae), Labcorp
Classification: Uncertain significance for Postaxial polydactyly-anterior pituitary anomalies-facial dysmorphism syndrome; Holoprosencephaly 9. Last evaluated: 2024-04-01. Review status: criteria provided, single submitter. Criteria: Invitae Variant Classification Sherloc (09022015). Collection method: clinical testing. Allele origin: germline.
Comment: This sequence change replaces arginine, which is basic and polar, with cysteine, which is neutral and slightly polar, at codon 986 of the GLI2 protein (p.Arg986Cys). This variant is not present in population databases (gnomAD no frequency). This variant has not been reported in the literature in individuals affected with GLI2-related conditions. Advanced modeling of protein sequence and biophysical properties (such as structural, functional, and spatial information, amino acid conservation, physicochemical variation, residue mobility, and thermodynamic stability) performed at Invitae indicates that this missense variant is expected to disrupt GLI2 protein function with a positive predictive value of 80%. In summary, the available evidence is currently insufficient to determine the role of this variant in disease. Therefore, it has been classified as a Variant of Uncertain Significance.